The following is an entry in ClinVar:

NM_001008537.3(NEXMIF):c.2820del (p.Ser940fs)

Gene: NEXMIF (neurite extension and migration factor; minus strand). Cytogenetic location: Xq13.3.
Variant type: Deletion.
Coding change: c.2820del on transcript NM_001008537.3 (MANE Select); coding-DNA position 2820, one base deleted (T; older notation c.2820delT).
Protein change: p.Ser940fs; shifts the reading frame from serine 940.
Molecular consequence: frameshift variant.
Genome position (GRCh38, 1-based): chrX:74,741,737, A deleted on the plus strand (T on the coding strand, the reverse complement: NEXMIF is on the minus strand). VCF-style (leftmost placement, unchanged base first): chrX-74741736-CA-C. GRCh37 (hg19) VCF-style: chrX-73961571-CA-C.
Other names: short protein forms S940fs.
Identifiers: ClinVar variation 2014135 (VCV002014135.4), dbSNP rs2519913307, ClinGen allele CA2580101376.

ClinVar aggregate classification (germline): Pathogenic (1 of 4 stars; one submission).

Submission:

Labcorp Genetics (formerly Invitae), Labcorp
Classification: Pathogenic. Last evaluated: 2022-07-04. Review status: criteria provided, single submitter. Criteria: Invitae Variant Classification Sherloc (09022015). Collection method: clinical testing. Allele origin: germline.
Comment: For these reasons, this variant has been classified as Pathogenic. This variant has not been reported in the literature in individuals affected with NEXMIF-related conditions. This variant is not present in population databases (gnomAD no frequency). This sequence change creates a premature translational stop signal (p.Ser940Argfs*70) in the NEXMIF gene. It is expected to result in an absent or disrupted protein product. Loss-of-function variants in NEXMIF are known to be pathogenic (PMID: 23615299).

Literature cited by the submitters: PubMed 23615299.